The following is an entry in ClinVar:

NM_003070.5(SMARCA2):c.3125+5A>G

Gene: SMARCA2 (SWI/SNF related BAF chromatin remodeling complex subunit ATPase 2; plus strand). Cytogenetic location: 9p24.3.
Variant type: single nucleotide variant.
Coding change: c.3125+5A>G on transcript NM_003070.5 (MANE Select); 5 bases into the intron after coding-DNA position 3125, A replaced by G.
Molecular consequence: intron variant.
Genome position (GRCh38, 1-based): chr9:2,101,621, A>G. VCF-style: chr9-2101621-A-G. GRCh37 (hg19) VCF-style: chr9-2101621-A-G.
Other names: c.3125+5A>G (NM_139045.4, NM_001289396.2); c.2951+5A>G (NM_001289397.2).
Identifiers: ClinVar variation 2698159 (VCV002698159.6), dbSNP rs761119921, ClinGen allele CA4963669.
Genomic context (GRCh38, chr9:2,101,621, plus strand): 5'-CTTTTAAAGGAATCCTTTGCTGAACACCTAGGCTATTCAAATGGGGTCATCAATGGGTAA[A>G]TCTCAAATTTTTTTTTCTTTTAAAAAAAAATGTTGTTGGCCTTACATAAACTCCTCCTCT-3'

ClinVar aggregate classification (germline): Benign/Likely benign. Review status: criteria provided, multiple submitters, no conflicts (2 of 4 stars). 3 submissions from 3 submitters: Benign (1); Likely benign (1). 1 of the submissions does not count toward it. Last evaluated 2024-05-05.

Conditions:
SMARCA2-related disorder. Also called: SMARCA2-related condition.

Allele frequency attached by ClinVar (database versions not stated): TOPMed below 0.00001; gnomAD exomes 0.00001; ExAC 0.00002.
gnomAD v4.1: 8 of 1,518,784 alleles (0.00053%); highest among the groups gnomAD compares: Non-Finnish European, 0.00073%; no homozygotes.

Submissions (3):

Labcorp Genetics (formerly Invitae), Labcorp
Classification: Benign. Last evaluated: 2024-05-05. Review status: criteria provided, single submitter. Criteria: Invitae Variant Classification Sherloc (09022015). Collection method: clinical testing. Allele origin: germline.

Blueprint Genetics
Classification: Likely benign. Last evaluated: 2022-11-11. Review status: criteria provided, single submitter. Criteria: ACMG Guidelines, 2015. Collection method: clinical testing. Allele origin: germline.

PreventionGenetics, part of Exact Sciences
Classification: Likely benign for SMARCA2-related condition. Last evaluated: 2021-02-08. Review status: no assertion criteria provided. Collection method: clinical testing. Allele origin: germline. Not counted in ClinVar's aggregate classification.
Comment: This variant is classified as likely benign based on ACMG/AMP sequence variant interpretation guidelines (Richards et al. 2015 PMID: 25741868, with internal and published modifications).